The following is an entry in ClinVar:

NM_004415.4(DSP):c.2081C>G (p.Ala694Gly)

Gene: DSP (desmoplakin; plus strand). Cytogenetic location: 6p24.3.
Variant type: single nucleotide variant.
Coding change: c.2081C>G on transcript NM_004415.4 (MANE Select); coding-DNA position 2081, C replaced by G.
Protein change: p.Ala694Gly; replaces alanine 694 with glycine.
Molecular consequence: missense variant.
Genome position (GRCh38, 1-based): chr6:7,572,019, C>G. VCF-style: chr6-7572019-C-G. GRCh37 (hg19) VCF-style: chr6-7572252-C-G.
Other names: c.2081C>G, p.Ala694Gly (NM_001008844.3, NM_001319034.2); short protein forms A694G.
Identifiers: ClinVar variation 4015110 (VCV004015110.1).

ClinVar aggregate classification (germline): Uncertain significance (1 of 4 stars; one submission).

Conditions:
Cardiovascular phenotype. Identifiers: MedGen CN230736.

Submission:

Ambry Genetics
Classification: Uncertain significance for Cardiovascular phenotype. Last evaluated: 2025-05-26. Review status: criteria provided, single submitter. Criteria: Ambry Variant Classification Scheme 2023. Collection method: clinical testing. Allele origin: germline.
Comment: The p.A694G variant (also known as c.2081C>G), located in coding exon 15 of the DSP gene, results from a C to G substitution at nucleotide position 2081. The alanine at codon 694 is replaced by glycine, an amino acid with similar properties. This amino acid position is conserved. In addition, this alteration is predicted to be tolerated by in silico analysis. Based on the available evidence, the clinical significance of this variant remains unclear.